The following is an entry in ClinVar:

ClinVar aggregate classification (germline): Uncertain significance (1 of 4 stars; one submission).

Submission:

Women's Health and Genetics/Laboratory Corporation of America, LabCorp
Classification: Uncertain significance. Last evaluated: 2024-08-07. Review status: criteria provided, single submitter. Criteria: LabCorp Variant Classification Summary - May 2015. Collection method: clinical testing. Allele origin: germline.
Comment: Variant summary: PKD1 c.717T>A (p.Ser239Arg) results in a non-conservative amino acid change located in the Carbohydrate-binding WSC domain (IPR002889) of the encoded protein sequence. Three of five in-silico tools predict a benign effect of the variant on protein function. The variant was absent in 139610 control chromosomes. The available data on variant occurrences in the general population are insufficient to allow any conclusion about variant significance. To our knowledge, no occurrence of c.717T>A in individuals affected with Polycystic Kidney Disease and no experimental evidence demonstrating its impact on protein function have been reported. No submitters have cited clinical-significance assessments for this variant to ClinVar. Based on the evidence outlined above, the variant was classified as uncertain significance.

NM_001009944.3(PKD1):c.717T>A (p.Ser239Arg)

Gene: PKD1 (polycystin 1, transient receptor potential channel interacting; minus strand). Cytogenetic location: 16p13.3.
Variant type: single nucleotide variant.
Coding change: c.717T>A on transcript NM_001009944.3 (MANE Select); coding-DNA position 717, T replaced by A.
Protein change: p.Ser239Arg; replaces serine 239 with arginine.
Molecular consequence: missense variant.
Genome position (GRCh38, 1-based): chr16:2,118,275, A>T on the plus strand (T>A on the coding strand, the complement: PKD1 is on the minus strand). VCF-style: chr16-2118275-A-T. GRCh37 (hg19) VCF-style: chr16-2168276-A-T.
Other names: c.717T>A, p.Ser239Arg (NM_000296.4); short protein forms S239R.
Identifiers: ClinVar variation 3366445 (VCV003366445.1).